The following is an entry in ClinVar:

ClinVar aggregate classification (germline): Benign/Likely benign. Review status: criteria provided, multiple submitters, no conflicts (2 of 4 stars). 3 submissions from 3 submitters: Benign (1); Likely benign (2). Last evaluated 2025-07-22.

Conditions:
EGFR-related lung cancer (EGFR). Identifiers: MedGen CN130014.
Lung cancer. Also called: Malignant tumor of lung; Lung cancer, somatic. Identifiers: MedGen C0242379, MONDO:0008903, OMIM 211980.
Hereditary cancer-predisposing syndrome. Also called: Hereditary neoplastic syndrome; Hereditary Cancer Syndrome; Neoplastic Syndromes, Hereditary; Tumor predisposition. Identifiers: Orphanet 140162, MedGen C0027672, MeSH D009386, MONDO:0015356.

Allele frequency attached by ClinVar (database versions not stated): TOPMed below 0.00001.
gnomAD v4.1: 1 of 1,613,860 alleles (0.000062%); no homozygotes.

Submissions (3):

Ambry Genetics
Classification: Likely benign for Hereditary cancer-predisposing syndrome. Last evaluated: 2025-07-22. Review status: criteria provided, single submitter. Criteria: Ambry Variant Classification Scheme 2023. Collection method: clinical testing. Allele origin: germline.

Labcorp Genetics (formerly Invitae), Labcorp
Classification: Likely benign for EGFR-related lung cancer. Last evaluated: 2025-05-11. Review status: criteria provided, single submitter. Criteria: Invitae Variant Classification Sherloc (09022015). Collection method: clinical testing. Allele origin: germline.

Myriad Genetics, Inc.
Classification: Benign for Lung cancer. Last evaluated: 2024-10-17. Review status: criteria provided, single submitter. Criteria: Myriad Autosomal Dominant, Autosomal Recessive and X-Linked Classification Criteria (2023). Collection method: clinical testing. Allele origin: unknown.
Comment: This variant is considered benign. This variant is a silent/synonymous amino acid change and it is not expected to impact splicing.

NM_005228.5(EGFR):c.2610T>C (p.His870=)

Gene: EGFR (epidermal growth factor receptor; plus strand). Cytogenetic location: 7p11.2.
Variant type: single nucleotide variant.
Coding change: c.2610T>C on transcript NM_005228.5 (MANE Select); coding-DNA position 2610, T replaced by C.
Protein change: p.His870=; no amino-acid change (histidine 870 retained).
Molecular consequence: synonymous variant.
Genome position (GRCh38, 1-based): chr7:55,191,859, T>C. VCF-style: chr7-55191859-T-C. GRCh37 (hg19) VCF-style: chr7-55259552-T-C.
Other names: c.2475T>C, p.His825= (NM_001346897.2, NM_001346899.2); c.2610T>C, p.His870= (NM_001346898.2); c.2451T>C, p.His817= (NM_001346900.2); c.1809T>C, p.His603= (NM_001346941.2); c.2610T>C (NM_005228.3).
Identifiers: ClinVar variation 1596596 (VCV001596596.10), dbSNP rs1787412092, ClinGen allele CA454965670.